The following is an entry in ClinVar:

NM_002838.5(PTPRC):c.2837C>G (p.Ala946Gly)

Gene: PTPRC (protein tyrosine phosphatase receptor type C; plus strand). Cytogenetic location: 1q32.1.
Variant type: single nucleotide variant.
Coding change: c.2837C>G on transcript NM_002838.5 (MANE Select); coding-DNA position 2837, C replaced by G.
Protein change: p.Ala946Gly; replaces alanine 946 with glycine.
Molecular consequence: missense variant.
Genome position (GRCh38, 1-based): chr1:198,744,193, C>G. VCF-style: chr1-198744193-C-G. GRCh37 (hg19) VCF-style: chr1-198713322-C-G.
Other names: c.2831C>G (NM_002838.3); c.2354C>G, p.Ala785Gly (NM_080921.4); short protein forms A785G, A946G.
Identifiers: ClinVar variation 966312 (VCV000966312.11), dbSNP rs1269014792, ClinGen allele CA344051894.
Genomic context (GRCh38, chr1:198,744,193, plus strand): 5'-ATCCATATCTACATAACATGAAGAAAAGGGATCCACCCAGTGAGCCGTCTCCACTAGAGG[C>G]TGAATTCCAGGTAATGATAGTGACAACAATAATAATAATTACAGATAACTTTTATTCAGT-3'
Protein context (NP_002829.3, residues 936-956): DPPSEPSPLE[Ala946Gly]EFQRLPSYRS

ClinVar aggregate classification (germline): Uncertain significance. Review status: criteria provided, multiple submitters, no conflicts (2 of 4 stars). 2 submissions from 2 submitters: Uncertain significance (2). Last evaluated 2022-11-18.

Conditions:
Inborn genetic diseases. Identifiers: MedGen C0950123, MeSH D030342.
Immunodeficiency 104. Also called: SCID, AUTOSOMAL RECESSIVE, T CELL-NEGATIVE, B CELL-POSITIVE, NK CELL-POSITIVE; IMMUNODEFICIENCY 104, SEVERE COMBINED; Severe Combined Immune Deficiency, Autosomal Recessive, TCell -Negative, B Cell-Positive, NK Cell-Positive, IL7R-Related; Severe combined immunodeficiency, autosomal recessive, T cell-negative, B cell-positive, NK cell-positive. Identifiers: MedGen C5676890, MONDO:0012163, OMIM 608971.

Allele frequency attached by ClinVar (database versions not stated): gnomAD exomes below 0.00001; gnomAD 0.00001; TOPMed 0.00001.
gnomAD v4.1: 4 of 1,604,190 alleles (0.00025%); highest among the groups gnomAD compares: Non-Finnish European, 0.00034%; no homozygotes.

Submissions (2):

Ambry Genetics
Classification: Uncertain significance for Inborn genetic diseases. Last evaluated: 2022-11-18. Review status: criteria provided, single submitter. Criteria: Ambry Variant Classification Scheme 2023. Collection method: clinical testing. Allele origin: germline.

Labcorp Genetics (formerly Invitae), Labcorp
Classification: Uncertain significance for Immunodeficiency 104. Last evaluated: 2019-10-15. Review status: criteria provided, single submitter. Criteria: Invitae Variant Classification Sherloc (09022015). Collection method: clinical testing. Allele origin: germline.
Comment: This variant is not present in population databases (ExAC no frequency). This variant has not been reported in the literature in individuals with PTPRC-related conditions. Algorithms developed to predict the effect of missense changes on protein structure and function are either unavailable or do not agree on the potential impact of this missense change (SIFT: "Deleterious"; PolyPhen-2: "Benign"; Align-GVGD: "Class C55"). Algorithms developed to predict the effect of sequence changes on RNA splicing suggest that this variant may create or strengthen a splice site, but this prediction has not been confirmed by published transcriptional studies. In summary, the available evidence is currently insufficient to determine the role of this variant in disease. Therefore, it has been classified as a Variant of Uncertain Significance. This sequence change replaces alanine with glycine at codon 946 of the PTPRC protein (p.Ala946Gly). The alanine residue is highly conserved and there is a small physicochemical difference between alanine and glycine.